The following is an entry in ClinVar:

NM_001085372.3(UQCC3):c.121-1G>A

Genes: LBHD1 (LBH domain containing 1; minus strand), UQCC3 (ubiquinol-cytochrome c reductase complex assembly factor 3; plus strand). Cytogenetic location: 11q12.3.
Variant type: single nucleotide variant.
Coding change: c.121-1G>A on transcript NM_001085372.3 (MANE Select); the canonical splice acceptor site of the intron before coding-DNA position 121, G replaced by A.
Molecular consequence: splice acceptor variant. On other transcripts: 5 prime UTR variant (12).
Genome position (GRCh38, 1-based): chr11:62,671,952, G>A. VCF-style: chr11-62671952-G-A. GRCh37 (hg19) VCF-style: chr11-62439424-G-A.
Other names: c.-205C>T (NM_001394596.1, NM_001394599.1, NM_001394601.1 and 1 more transcripts); c.-447C>T (NM_001394604.1, NM_001394607.1); c.-592C>T (NM_001394609.1); c.-523C>T (NM_001394611.1); c.-847C>T (NM_001394612.1); c.-399C>T (NM_024099.5, NM_001367940.2); c.-916C>T (NM_001367941.2).
Identifiers: ClinVar variation 2065272 (VCV002065272.5), dbSNP rs775150319, ClinGen allele CA6052573.
Genomic context (GRCh38, chr11:62,671,952, plus strand): 5'-AGGGTGGGCGGGTGGAGAGCCCCGGACTGGAGCTCCTGCGAACTCCCCTTCCTGCCCTCA[G>A]GAGATGCCACTGCAGGACCCAAGGAGCAGGGAGGAGGCGGCCAGGACCCAGCAGCTATTG-3'

ClinVar aggregate classification (germline): Uncertain significance (1 of 4 stars; one submission).

Allele frequency attached by ClinVar (database versions not stated): gnomAD 0.00001; TOPMed 0.00002; ExAC 0.00003; gnomAD exomes 0.00003.
gnomAD v4.1: 17 of 1,613,868 alleles (0.0011%); highest among the groups gnomAD compares: Admixed American, 0.027%; no homozygotes.

Submissions (2):

Labcorp Genetics (formerly Invitae), Labcorp
Classification: Uncertain significance. Last evaluated: 2025-11-19. Review status: criteria provided, single submitter. Criteria: Invitae Variant Classification Sherloc (09022015). Collection method: clinical testing. Allele origin: germline.
Comment: This sequence change falls in intron 1 of the UQCC3 gene. It does not directly change the encoded amino acid sequence of the UQCC3 protein. It affects a nucleotide within the consensus splice site. This variant is present in population databases (rs775150319, gnomAD 0.04%). This variant has not been reported in the literature in individuals affected with UQCC3-related conditions. ClinVar contains an entry for this variant (Variation ID: 2065272). Variants that disrupt the consensus splice site are a relatively common cause of aberrant splicing (PMID: 17576681, 9536098). Algorithms developed to predict the effect of sequence changes on RNA splicing suggest that this variant may disrupt the consensus splice site. In summary, the available evidence is currently insufficient to determine the role of this variant in disease. Therefore, it has been classified as a Variant of Uncertain Significance.

Dr. Peter K. Rogan Lab, Western University
No classification provided (evidence only). Condition: Cervical cancer. Review status: no classification provided. Collection method: in vitro. Allele origin: not applicable. Functional consequence: retained intron. Not counted in ClinVar's aggregate classification.

Literature cited by the submitters: PubMed 17576681 (cited by Labcorp Genetics (formerly Invitae), Labcorp); PubMed 9536098 (cited by Labcorp Genetics (formerly Invitae), Labcorp).